The following is an entry in ClinVar:

NM_001267550.2(TTN):c.46816G>T (p.Glu15606Ter)

Genes: TTN-AS1 (TTN antisense RNA 1; plus strand), TTN (titin; minus strand). Cytogenetic location: 2q31.2.
Variant type: single nucleotide variant.
Coding change: c.46816G>T on transcript NM_001267550.2 (MANE Select); coding-DNA position 46816, G replaced by T.
Protein change: p.Glu15606Ter; replaces glutamic acid 15606 with a stop codon.
Molecular consequence: nonsense.
Genome position (GRCh38, 1-based): chr2:178,618,734, C>A on the plus strand (G>T on the coding strand, the complement: TTN is on the minus strand). VCF-style: chr2-178618734-C-A. GRCh37 (hg19) VCF-style: chr2-179483461-C-A.
Other names: c.41893G>T, p.Glu13965Ter (NM_001256850.1); c.19621G>T, p.Glu6541Ter (NM_003319.4); c.39112G>T, p.Glu13038Ter (NM_133378.4); c.19996G>T, p.Glu6666Ter (NM_133432.3); c.20197G>T, p.Glu6733Ter (NM_133437.4); short protein forms E6733*, E13965*, E6541*, E6666*, E13038*, E15606*.
Identifiers: ClinVar variation 2953932 (VCV002953932.3), dbSNP rs2470914058, ClinGen allele CA349622139.
Genomic context (GRCh38, chr2:178,618,734, plus strand): 5'-CTAAAATTCTGAAAGAAGTTTGTTCAGCCGTAGTATCAATGGTTTTTGTAGATAAAGGTT[C>A]ATTTTCTTTAAACCATTCAGCTTCTGCTTTGGGGTAGGCATCATATGGCACCACCATTGT-3'

ClinVar aggregate classification (germline): Likely pathogenic (1 of 4 stars; one submission).

Conditions:
Autosomal recessive limb-girdle muscular dystrophy type 2J (LGMDR10). Also called: Limb-girdle muscular dystrophy, type 2J; MUSCULAR DYSTROPHY, LIMB-GIRDLE, AUTOSOMAL RECESSIVE 10. Identifiers: Orphanet 140922, MedGen C1837342, MONDO:0012127, OMIM 608807.
Dilated cardiomyopathy 1G (CMD1G). Identifiers: Orphanet 154, MedGen C1858763, MONDO:0011400, OMIM 604145.

Submission:

Labcorp Genetics (formerly Invitae), Labcorp
Classification: Likely pathogenic for Dilated cardiomyopathy 1G; Autosomal recessive limb-girdle muscular dystrophy type 2J. Last evaluated: 2023-11-24. Review status: criteria provided, single submitter. Criteria: Invitae Variant Classification Sherloc (09022015). Collection method: clinical testing. Allele origin: germline.
Comment: This sequence change creates a premature translational stop signal (p.Glu15606*) in the TTN gene. While this is not anticipated to result in nonsense mediated decay, it is expected to create a truncated TTN protein. This variant is not present in population databases (gnomAD no frequency). This variant has not been observed in the literature in individuals with autosomal recessive TTN-related conditions. This variant has been reported in individual(s) with autosomal dominant dilated cardiomyopathy (Invitae); however, the role of the variant in this condition is currently unclear. This variant is located in the I band of TTN (PMID: 25589632). Truncating variants in this region have been reported in individuals affected with autosomal recessive centronuclear myopathy (PMID: 23975875). Truncating variants in this region have also been identified in individuals affected with autosomal dominant dilated cardiomyopathy and/or cardio-related conditions (PMID: 27869827, 32964742). In summary, the currently available evidence indicates that the variant is pathogenic, but additional data are needed to prove that conclusively. Therefore, this variant has been classified as Likely Pathogenic.

Literature cited by the submitters: PubMed 25589632; PubMed 23975875; PubMed 27869827; PubMed 32964742.